The following is an entry in ClinVar:

NM_172107.4(KCNQ2):c.1119-19G>A

Gene: KCNQ2 (potassium voltage-gated channel subfamily Q member 2; minus strand). Cytogenetic location: 20q13.33.
Variant type: single nucleotide variant.
Coding change: c.1119-19G>A on transcript NM_172107.4 (MANE Select); 19 bases into the intron before coding-DNA position 1119, G replaced by A.
Molecular consequence: intron variant.
Genome position (GRCh38, 1-based): chr20:63,431,388, C>T on the plus strand (G>A on the coding strand, the complement: KCNQ2 is on the minus strand). VCF-style: chr20-63431388-C-T. GRCh37 (hg19) VCF-style: chr20-62062741-C-T.
Other names: c.1118+2421G>A (NM_004518.6); c.1119-19G>A (NM_172108.5, NM_172106.3).
Identifiers: ClinVar variation 509407 (VCV000509407.5), dbSNP rs1428713160, ClinGen allele CA636343255.

ClinVar aggregate classification (germline): Likely benign. Review status: criteria provided, multiple submitters, no conflicts (2 of 4 stars). 2 submissions from 2 submitters: Likely benign (2). Last evaluated 2023-05-20.

Conditions:
Early-infantile DEE. Also called: Ohtahara syndrome; Early infantile epileptic encephalopathy; Early infantile epileptic encephalopathy with suppression bursts. Identifiers: Orphanet 1934, MedGen C0393706, MONDO:0800491.

Allele frequency attached by ClinVar (database versions not stated): gnomAD exomes below 0.00001; gnomAD 0.00001; TOPMed 0.00002.
gnomAD v4.1: 6 of 1,613,396 alleles (0.00037%); highest among the groups gnomAD compares: East Asian, 0.0089%; no homozygotes.

Submissions (2):

Labcorp Genetics (formerly Invitae), Labcorp
Classification: Likely benign for Early-infantile DEE. Last evaluated: 2023-05-20. Review status: criteria provided, single submitter. Criteria: Invitae Variant Classification Sherloc (09022015). Collection method: clinical testing. Allele origin: germline.

GeneDx
Classification: Likely benign. Last evaluated: 2017-05-08. Review status: criteria provided, single submitter. Criteria: GeneDx Variant Classification (06012015). Collection method: clinical testing. Allele origin: germline. Affected: yes.
Comment: This variant is considered likely benign or benign based on one or more of the following criteria: it is a conservative change, it occurs at a poorly conserved position in the protein, it is predicted to be benign by multiple in silico algorithms, and/or has population frequency not consistent with disease.